The following is an entry in ClinVar:

NM_001143981.2(CHRDL1):c.807_808del (p.His270fs)

Gene: CHRDL1 (chordin like 1; minus strand). Cytogenetic location: Xq23.
Variant type: Microsatellite.
Coding change: c.807_808del on transcript NM_001143981.2 (MANE Select); coding-DNA positions 807 to 808, 2 bases deleted (TC; older notation c.807_808delTC).
Protein change: p.His270fs; shifts the reading frame from histidine 270.
Molecular consequence: frameshift variant. On other transcripts: non-coding transcript variant (1).
Genome position (GRCh38, 1-based): chrX:110,688,774-110,688,775, GA deleted on the plus strand (TC on the coding strand, the reverse complement: CHRDL1 is on the minus strand); deleting any 2 consecutive bases within chrX:110,688,774-110,688,777 gives the same sequence; the c. name uses the placement nearest the transcript's 3' end. VCF-style (leftmost placement, unchanged base first): chrX-110688773-TGA-T. GRCh37 (hg19) VCF-style: chrX-109932001-TGA-T.
Other names: c.804_805del, p.His269fs (NM_001143982.2, NM_001367207.1, NM_145234.4); c.567_568del, p.His190fs (NM_001143983.3); c.807_808del, p.His270fs (NM_001367204.1, NM_001367205.1, NM_001367206.1 and 2 more transcripts); short protein forms H190fs, H269fs, H270fs.
Identifiers: ClinVar variation 218164 (VCV000218164.3), dbSNP rs863225435, ClinGen allele CA279898.

ClinVar aggregate classification (germline): Pathogenic. Review status: no assertion criteria provided (0 of 4 stars). 2 submissions from 2 submitters: Pathogenic (2). Last evaluated 2015-06-01.

Conditions:
Megalocornea. Also called: MGCN. Identifiers: MedGen C5574682, MONDO:0009576, OMIM 249300, HP:0000485.

Submissions (2):

OMIM
Classification: Pathogenic for MEGALOCORNEA. Last evaluated: 2015-06-01. Review status: no assertion criteria provided. Collection method: literature only. Allele origin: germline.

Institute of Human Genetics, Martin-Luther-Universität Halle-Wittemberg
Classification: Pathogenic for Isolated congenital megalocornea. Last evaluated: 2014-12-01. Review status: no assertion criteria provided. Collection method: clinical testing. Allele origin: maternal. Inheritance: X-linked inheritance. Affected: yes.
Comment: supported by segregation analysis

Literature cited by the submitters: PubMed 25712132 (cited by OMIM and Institute of Human Genetics, Martin-Luther-Universität Halle-Wittemberg).